The following is an entry in ClinVar:

ClinVar aggregate classification (germline): Benign/Likely benign. Review status: criteria provided, multiple submitters, no conflicts (2 of 4 stars). 5 submissions from 5 submitters: Benign (1); Likely benign (4). Last evaluated 2026-01-28.

Conditions:
Joubert syndrome 17 (JBTS17). Identifiers: Orphanet 475, MedGen C3553264, MONDO:0013824, OMIM 614615.
Orofaciodigital syndrome type 6 (OFD6). Also called: Oral-facial-digital syndrome type 6; Central polydactyly cleft lip/palate or lingual lump and psychomotor retardation; Y-shaped central metacarpal and cerebellar defect; Joubert syndrome with orofacialdigital anomalies; OROFACIODIGITAL SYNDROME VI; OFDS VI. Identifiers: Orphanet 2754, MedGen C2745997, MONDO:0010176, OMIM 277170.

Allele frequency attached by ClinVar (database versions not stated): 1000 Genomes Project 0.00020; 1000 Genomes Project 30x 0.00031; ESP Exome Variant Server 0.00044; TOPMed 0.00046; gnomAD exomes 0.00064 and 0.00066; gnomAD 0.00097 and 0.00098; ExAC 0.00108.
gnomAD v4.1: 1,044 of 1,551,110 alleles (0.067%); highest among the groups gnomAD compares: Non-Finnish European, 0.074%; 2 homozygotes.

Submissions (5):

Labcorp Genetics (formerly Invitae), Labcorp
Classification: Benign. Last evaluated: 2026-01-28. Review status: criteria provided, single submitter. Criteria: Invitae Variant Classification Sherloc (09022015). Collection method: clinical testing. Allele origin: germline.

CeGaT Center for Human Genetics Tuebingen
Classification: Likely benign. Last evaluated: 2025-03-01. Review status: criteria provided, single submitter. Criteria: CeGaT Center For Human Genetics Tuebingen Variant Classification Criteria Version 2. Collection method: clinical testing. Allele origin: germline. Affected: yes. Observed: 6 variant alleles.
Comment: CPLANE1: BP4, BS2

Blueprint Genetics
Classification: Likely benign. Last evaluated: 2024-11-26. Review status: criteria provided, single submitter. Criteria: ACMG Guidelines, 2015. Collection method: clinical testing. Allele origin: germline.

Fulgent Genetics
Classification: Likely benign for Orofaciodigital syndrome type 6; Joubert syndrome 17. Last evaluated: 2021-10-05. Review status: criteria provided, single submitter. Criteria: ACMG Guidelines, 2015. Collection method: clinical testing. Allele origin: unknown.

GeneDx
Classification: Likely benign. Last evaluated: 2020-12-15. Review status: criteria provided, single submitter. Criteria: GeneDx Variant Classification Process June 2021. Collection method: clinical testing. Allele origin: germline. Affected: yes.

NM_001384732.1(CPLANE1):c.994A>G (p.Met332Val)

Gene: CPLANE1 (ciliogenesis and planar polarity effector complex subunit 1; minus strand). Cytogenetic location: 5p13.2.
Variant type: single nucleotide variant.
Coding change: c.994A>G on transcript NM_001384732.1 (MANE Select); coding-DNA position 994, A replaced by G.
Protein change: p.Met332Val; replaces methionine 332 with valine.
Molecular consequence: missense variant.
Genome position (GRCh38, 1-based): chr5:37,230,994, T>C on the plus strand (A>G on the coding strand, the complement: CPLANE1 is on the minus strand). VCF-style: chr5-37230994-T-C. GRCh37 (hg19) VCF-style: chr5-37231096-T-C.
Other names: c.994A>G, p.Met332Val (NM_023073.4); short protein forms M332V.
Identifiers: ClinVar variation 515875 (VCV000515875.39), dbSNP rs369404481, ClinGen allele CA3239141.